The following is an entry in ClinVar:

ClinVar aggregate classification (germline): Uncertain significance (1 of 4 stars; one submission).

gnomAD v4.1: 1 of 1,613,466 alleles (0.000062%); highest among the groups gnomAD compares: Non-Finnish European, 0.000085%; no homozygotes.

Submission:

GeneDx
Classification: Uncertain significance. Last evaluated: 2025-08-05. Review status: criteria provided, single submitter. Criteria: GeneDx Variant Classification Process June 2021. Collection method: clinical testing. Allele origin: germline. Affected: yes.
Comment: Not observed at significant frequency in large population cohorts (gnomAD); In silico analysis suggests that this missense variant does not alter protein structure/function; Has not been previously published as pathogenic or benign to our knowledge

NM_024721.5(ZFHX4):c.5959G>A (p.Glu1987Lys)

Gene: ZFHX4 (zinc finger homeobox 4; plus strand). Cytogenetic location: 8q21.13.
Variant type: single nucleotide variant.
Coding change: c.5959G>A on transcript NM_024721.5 (MANE Select); coding-DNA position 5959, G replaced by A.
Protein change: p.Glu1987Lys; replaces glutamic acid 1987 with lysine.
Molecular consequence: missense variant.
Genome position (GRCh38, 1-based): chr8:76,852,880, G>A. VCF-style: chr8-76852880-G-A. GRCh37 (hg19) VCF-style: chr8-77765116-G-A.
Other names: c.5881G>A, p.Glu1961Lys (NM_001410934.1); short protein forms E1961K, E1987K.
Identifiers: ClinVar variation 4755576 (VCV004755576.1).
Genomic context (GRCh38, chr8:76,852,880, plus strand): 5'-CATGTACATGGGCAATTTTTTCCATATGCAGCGCTAGAAAAATTTGCTCGTCAATACAGG[G>A]AGGCCTATGACAAGCTTTATCCAATTTCTCCATCTTCTCCAGAAACGCCGCCCCCGCCAC-3'
Protein context (NP_078997.4, residues 1977-1997): ALEKFARQYR[Glu1987Lys]AYDKLYPISP